The following is an entry in ClinVar:

NM_004130.4(GYG1):c.319-12C>T

Gene: GYG1 (glycogenin 1; plus strand). Cytogenetic location: 3q24.
Variant type: single nucleotide variant.
Coding change: c.319-12C>T on transcript NM_004130.4 (MANE Select); 12 bases into the intron before coding-DNA position 319, C replaced by T.
Molecular consequence: intron variant.
Genome position (GRCh38, 1-based): chr3:148,996,730, C>T. VCF-style: chr3-148996730-C-T. GRCh37 (hg19) VCF-style: chr3-148714517-C-T.
Other names: c.319-12C>T (NM_001184720.2, NM_001184721.2).
Identifiers: ClinVar variation 382071 (VCV000382071.15), dbSNP rs114156848, ClinGen allele CA2658534.

ClinVar aggregate classification (germline): Benign. Review status: criteria provided, multiple submitters, no conflicts (2 of 4 stars). 5 submissions from 5 submitters: Benign (4). 1 of the submissions does not count toward it. Last evaluated 2026-02-01.

Conditions:
Glycogen storage disease XV (GSD15). Also called: GLYCOGENIN DEFICIENCY; GSD XV. Identifiers: Orphanet 263297, MedGen C3150754, MONDO:0013291, OMIM 613507.
Polyglucosan body myopathy type 2. Identifiers: Orphanet 456369, MedGen C4015452, MONDO:0014526, OMIM 616199.

Allele frequency attached by ClinVar (database versions not stated): gnomAD exomes 0.00087 and 0.00210; ExAC 0.00273; 1000 Genomes Project 30x 0.00843; gnomAD 0.00905 and 0.00990; 1000 Genomes Project 0.00919; TOPMed 0.00985; ESP Exome Variant Server 0.01015.
gnomAD v4.1: 2,674 of 1,611,170 alleles (0.17%); highest among the groups gnomAD compares: African/African-American, 3.2%; 44 homozygotes.

Submissions (5):

Labcorp Genetics (formerly Invitae), Labcorp
Classification: Benign for Polyglucosan body myopathy type 2; Glycogen storage disease XV. Last evaluated: 2026-02-01. Review status: criteria provided, single submitter. Criteria: Invitae Variant Classification Sherloc (09022015). Collection method: clinical testing. Allele origin: germline.

ARUP Laboratories, Molecular Genetics and Genomics, ARUP Laboratories
Classification: Benign. Last evaluated: 2023-10-20. Review status: criteria provided, single submitter. Criteria: ARUP Molecular Germline Variant Investigation Process 2024. Collection method: clinical testing. Allele origin: germline.

GeneDx
Classification: Benign. Last evaluated: 2016-02-22. Review status: criteria provided, single submitter. Criteria: GeneDx Variant Classification (06012015). Collection method: clinical testing. Allele origin: germline. Affected: yes.
Comment: This variant is considered likely benign or benign based on one or more of the following criteria: it is a conservative change, it occurs at a poorly conserved position in the protein, it is predicted to be benign by multiple in silico algorithms, and/or has population frequency not consistent with disease.

Breakthrough Genomics
Classification: Benign. Review status: criteria provided, single submitter. Criteria: ACMG Guidelines, 2015. Collection method: not provided. Allele origin: germline. Inheritance: Autosomal recessive inheritance. Affected: yes.

Mayo Clinic Laboratories, Mayo Clinic
Classification: Benign. Last evaluated: 2017-06-15. Review status: no assertion criteria provided. Collection method: clinical testing. Allele origin: unknown. Not counted in ClinVar's aggregate classification.